The following is an entry in ClinVar:

ClinVar aggregate classification (germline): Uncertain significance. Review status: criteria provided, multiple submitters, no conflicts (2 of 4 stars). 2 submissions from 2 submitters: Uncertain significance (2). Last evaluated 2025-01-05.

Conditions:
Fanconi anemia (FA). Also called: Fanconi's anemia. Identifiers: Orphanet 84, MedGen C0015625, MeSH D005199, MONDO:0019391.
Inborn genetic diseases. Identifiers: MedGen C0950123, MeSH D030342.

Allele frequency attached by ClinVar (database versions not stated): gnomAD exomes below 0.00001.

Submissions (2):

Ambry Genetics
Classification: Uncertain significance for Inborn genetic diseases. Last evaluated: 2025-01-05. Review status: criteria provided, single submitter. Criteria: Ambry Variant Classification Scheme 2023. Collection method: clinical testing. Allele origin: germline.
Comment: The p.S488N variant (also known as c.1463G>A), located in coding exon 9 of the FANCM gene, results from a G to A substitution at nucleotide position 1463. The serine at codon 488 is replaced by asparagine, an amino acid with highly similar properties. This amino acid position is conserved. In addition, this alteration is predicted to be tolerated by in silico analysis. Based on the available evidence, the clinical significance of this variant remains unclear.

Labcorp Genetics (formerly Invitae), Labcorp
Classification: Uncertain significance for Fanconi anemia. Last evaluated: 2024-07-04. Review status: criteria provided, single submitter. Criteria: Invitae Variant Classification Sherloc (09022015). Collection method: clinical testing. Allele origin: germline.
Comment: This sequence change replaces serine, which is neutral and polar, with asparagine, which is neutral and polar, at codon 488 of the FANCM protein (p.Ser488Asn). The frequency data for this variant in the population databases is considered unreliable, as metrics indicate poor data quality at this position in the gnomAD database. This variant has not been reported in the literature in individuals affected with FANCM-related conditions. ClinVar contains an entry for this variant (Variation ID: 1401089). An algorithm developed to predict the effect of missense changes on protein structure and function (PolyPhen-2) suggests that this variant is likely to be disruptive. In summary, the available evidence is currently insufficient to determine the role of this variant in disease. Therefore, it has been classified as a Variant of Uncertain Significance.

NM_020937.4(FANCM):c.1463G>A (p.Ser488Asn)

Gene: FANCM (FA complementation group M; plus strand). Cytogenetic location: 14q21.2.
Variant type: single nucleotide variant.
Coding change: c.1463G>A on transcript NM_020937.4 (MANE Select); coding-DNA position 1463, G replaced by A.
Protein change: p.Ser488Asn; replaces serine 488 with asparagine.
Molecular consequence: missense variant.
Genome position (GRCh38, 1-based): chr14:45,159,162, G>A. VCF-style: chr14-45159162-G-A. GRCh37 (hg19) VCF-style: chr14-45628365-G-A.
Other names: c.1463G>A (NM_020937.2); c.1385G>A, p.Ser462Asn (NM_001308133.2); c.1463G>A, p.Ser488Asn (NM_001308134.2); short protein forms S488N, S462N.
Identifiers: ClinVar variation 1401089 (VCV001401089.7), dbSNP rs1566742540, ClinGen allele CA389592500.